The following is an entry in ClinVar:

NM_133459.4(CCBE1):c.1214A>G (p.Tyr405Cys)

Gene: CCBE1 (collagen and calcium binding EGF domains 1; minus strand). Cytogenetic location: 18q21.32.
Variant type: single nucleotide variant.
Coding change: c.1214A>G on transcript NM_133459.4 (MANE Select); coding-DNA position 1214, A replaced by G.
Protein change: p.Tyr405Cys; replaces tyrosine 405 with cysteine.
Molecular consequence: missense variant.
Genome position (GRCh38, 1-based): chr18:59,435,915, T>C on the plus strand (A>G on the coding strand, the complement: CCBE1 is on the minus strand). VCF-style: chr18-59435915-T-C. GRCh37 (hg19) VCF-style: chr18-57103147-T-C.
Other names: short protein forms Y405C.
Identifiers: ClinVar variation 3347379 (VCV003347379.1).
Genomic context (GRCh38, chr18:59,435,915, plus strand): 5'-ACTGCAGGTGAGTTGATCTTTCTCTTCCTTTGGCGTGACGGTGTTGGGATGTGCTATGGG[T>C]AGAAGTCTCTGGGGGCTCTCAAGTCTCTTGTCTCAGTTCTTCTTGGATGGTCATCTCCAG-3'
Protein context (NP_597716.1, residues 395-406): TRDLRAPRDF[Tyr405Cys]P

ClinVar aggregate classification (germline): Uncertain significance (0 of 4 stars; one submission).

Conditions:
CCBE1-related disorder. Also called: CCBE1-related condition.

gnomAD v4.1: 2 of 1,613,808 alleles (0.00012%); highest among the groups gnomAD compares: Non-Finnish European, 0.00017%; no homozygotes.

Submission:

PreventionGenetics, part of Exact Sciences
Classification: Uncertain significance for CCBE1-related condition. Last evaluated: 2024-06-10. Review status: no assertion criteria provided. Collection method: clinical testing. Allele origin: germline.
Comment: The CCBE1 c.1214A>G variant is predicted to result in the amino acid substitution p.Tyr405Cys. To our knowledge, this variant has not been reported in the literature or in a large population database, indicating this variant is rare. At this time, the clinical significance of this variant is uncertain due to the absence of conclusive functional and genetic evidence.